The following is an entry in ClinVar:

ClinVar aggregate classification (germline): Conflicting classifications of pathogenicity. Review status: criteria provided, conflicting classifications (1 of 4 stars). 4 submissions from 4 submitters: Uncertain significance (1); Likely benign (2). 1 of the submissions does not count toward it. Last evaluated 2024-10-02.

Conditions:
COL11A1-related disorder. Also called: COL11A1-related condition; COL11A1-related disorders.
Fibrochondrogenesis 1 (FBCG1). Identifiers: Orphanet 2021, MedGen C3278138, MONDO:0009226, OMIM 228520.

Allele frequency attached by ClinVar (database versions not stated): gnomAD exomes 0.00020 and 0.00056; ExAC 0.00070; 1000 Genomes Project 30x 0.00141; 1000 Genomes Project 0.00160; ESP Exome Variant Server 0.00208; gnomAD 0.00239 and 0.00263; TOPMed 0.00276.
gnomAD v4.1: 680 of 1,612,980 alleles (0.042%); highest among the groups gnomAD compares: African/African-American, 0.79%; 5 homozygotes.

Submissions (4):

Blueprint Genetics
Classification: Likely benign. Last evaluated: 2024-10-02. Review status: criteria provided, single submitter. Criteria: ACMG Guidelines, 2015. Collection method: clinical testing. Allele origin: germline.

GeneDx
Classification: Likely benign. Last evaluated: 2020-09-29. Review status: criteria provided, single submitter. Criteria: GeneDx Variant Classification Process June 2021. Collection method: clinical testing. Allele origin: germline. Affected: yes.
Comment: Has not been previously published as pathogenic or benign to our knowledge; Canonical splice site variant with an unclear effect on protein function; Located in an alternatively spliced exon in which no variants have been reported in association with COL11A1-related disorders to date in the Human Gene Mutation Database (Stenson et al., 2014); This variant is associated with the following publications: (PMID: 32578940)

Baylor Genetics
Classification: Uncertain significance for Fibrochondrogenesis 1. Last evaluated: 2018-03-22. Review status: criteria provided, single submitter. Criteria: ACMG Guidelines, 2015. Collection method: clinical testing. Allele origin: paternal. Affected: yes.
Comment: This variant was determined to be of uncertain significance according to ACMG Guidelines, 2015 [PMID:25741868].

PreventionGenetics, part of Exact Sciences
Classification: Likely benign for COL11A1-related condition. Last evaluated: 2019-10-23. Review status: no assertion criteria provided. Collection method: clinical testing. Allele origin: germline. Not counted in ClinVar's aggregate classification.
Comment: This variant is classified as likely benign based on ACMG/AMP sequence variant interpretation guidelines (Richards et al. 2015 PMID: 25741868, with internal and published modifications).

NM_001854.4(COL11A1):c.898-185T>C

Gene: COL11A1 (collagen type XI alpha 1 chain; minus strand). Cytogenetic location: 1p21.1.
Variant type: single nucleotide variant.
Coding change: c.898-185T>C on transcript NM_001854.4 (MANE Select); 185 bases into the intron before coding-DNA position 898, T replaced by C.
Molecular consequence: intron variant. On other transcripts: splice donor variant (1).
Genome position (GRCh38, 1-based): chr1:103,025,798, A>G on the plus strand (T>C on the coding strand, the complement: COL11A1 is on the minus strand). VCF-style: chr1-103025798-A-G. GRCh37 (hg19) VCF-style: chr1-103491354-A-G.
Other names: c.781-185T>C (NM_001190709.2); c.933+2T>C (NM_080629.3, NM_080629.2); c.897+418T>C (NM_080630.4).
Identifiers: ClinVar variation 1032777 (VCV001032777.6), dbSNP rs138792819, ClinGen allele CA975220.